The following is an entry in ClinVar:

ClinVar aggregate classification (germline): Conflicting classifications of pathogenicity. Review status: criteria provided, conflicting classifications (1 of 4 stars). 2 submissions from 2 submitters: Likely pathogenic (1); Uncertain significance (1). Last evaluated 2026-09-08.

Conditions:
Fabry disease. Also called: GLA DEFICIENCY; HEREDITARY DYSTOPIC LIPIDOSIS; Fabry's disease; Angiokeratoma corporis diffusum; Ceramide trihexosidosis; ALPHA-GALACTOSIDASE A DEFICIENCY. Identifiers: Orphanet 324, MedGen C0002986, MONDO:0010526, OMIM 301500, HP:0001071. Disease mechanism: loss of function, Fabry disease is due to inactivating mutations in the X-linked GLA gene resulting in deficiency of the enzyme Alpha Galactosidase-A..

Submissions (2):

Genomenon, Inc
Classification: Likely pathogenic for Fabry disease. Last evaluated: 2026-09-08. Review status: criteria provided, single submitter. Criteria: Genomenon Sequence Variant Interpretation Standards - Updated. Collection method: curation. Allele origin: germline. Affected: yes.
Comment: GLA p.Ser297Cys (c.890C>G) is a missense variant that changes the amino acid at codon 297 from Serine to Cysteine. This variant has been observed in at least one proband with clinical features consistent with Fabry disease (PMID:12428061). At least one functional study has demonstrated a substantial alteration in protein function relative to the wild-type (PMID:32023956;27657681). It is absent or not present at a significant frequency in gnomAD. In silico models predict that this variant is possibly or probably damaging. In conclusion, we classify GLA p.Ser297Cys (c.890C>G) as a likely pathogenic variant.

Eurofins Ntd Llc (ga)
Classification: Uncertain significance. Last evaluated: 2016-06-24. Review status: criteria provided, single submitter. Criteria: EGL Classification Definitions 2015. Collection method: clinical testing. Allele origin: germline.

Literature cited by the submitters: PubMed 12428061 (cited by Genomenon, Inc); PubMed 32023956 (cited by Genomenon, Inc); PubMed 27657681 (cited by Genomenon, Inc).

NM_000169.3(GLA):c.890C>G (p.Ser297Cys)

Genes: GLA (galactosidase alpha; minus strand), RPL36A-HNRNPH2 (RPL36A-HNRNPH2 readthrough; plus strand). Cytogenetic location: Xq22.1.
Variant type: single nucleotide variant.
Coding change: c.890C>G on transcript NM_000169.3 (MANE Select); coding-DNA position 890, C replaced by G.
Protein change: p.Ser297Cys; replaces serine 297 with cysteine.
Molecular consequence: missense variant. On other transcripts: non-coding transcript variant (3), intron variant (2).
Genome position (GRCh38, 1-based): chrX:101,398,479, G>C on the plus strand (C>G on the coding strand, the complement: GLA is on the minus strand). VCF-style: chrX-101398479-G-C. GRCh37 (hg19) VCF-style: chrX-100653467-G-C.
Other names: c.1013C>G, p.Ser338Cys (NM_001406747.1); c.890C>G, p.Ser297Cys (NM_001406748.1); c.300+3022G>C (NM_001199973.2); c.177+6657G>C (NM_001199974.2); short protein forms S297C, S338C.
Identifiers: ClinVar variation 222442 (VCV000222442.7), dbSNP rs28935489, ClinGen allele CA352262.